The following is an entry in ClinVar:

NM_138694.4(PKHD1):c.10561C>T (p.Gln3521Ter)

Gene: PKHD1 (PKHD1 ciliary IPT domain containing fibrocystin/polyductin; minus strand). Cytogenetic location: 6p12.3.
Variant type: single nucleotide variant.
Coding change: c.10561C>T on transcript NM_138694.4 (MANE Select); coding-DNA position 10561, C replaced by T.
Protein change: p.Gln3521Ter; replaces glutamine 3521 with a stop codon.
Molecular consequence: nonsense.
Genome position (GRCh38, 1-based): chr6:51,659,565, G>A on the plus strand (C>T on the coding strand, the complement: PKHD1 is on the minus strand). VCF-style: chr6-51659565-G-A. GRCh37 (hg19) VCF-style: chr6-51524363-G-A.
Other names: short protein forms Q3521*.
Identifiers: ClinVar variation 1074162 (VCV001074162.8), dbSNP rs2150415240, ClinGen allele CA364434044.

ClinVar aggregate classification (germline): Pathogenic (1 of 4 stars; one submission).

Conditions:
Autosomal recessive polycystic kidney disease (ARPKD). Also called: AR polycystic kidney disease. Identifiers: Orphanet 731, Orphanet 8378, MedGen C0085548, MeSH D017044, MONDO:0009889.

Submission:

Labcorp Genetics (formerly Invitae), Labcorp
Classification: Pathogenic for Autosomal recessive polycystic kidney disease. Last evaluated: 2020-01-21. Review status: criteria provided, single submitter. Criteria: Invitae Variant Classification Sherloc (09022015). Collection method: clinical testing. Allele origin: germline.
Comment: This sequence change creates a premature translational stop signal (p.Gln3521*) in the PKHD1 gene. It is expected to result in an absent or disrupted protein product. This variant is not present in population databases (ExAC no frequency). For these reasons, this variant has been classified as Pathogenic. Loss-of-function variants in PKHD1 are known to be pathogenic (PMID: 19940839). This variant has not been reported in the literature in individuals with PKHD1-related conditions.

Literature cited by the submitters: PubMed 19940839.